The following is an entry in ClinVar:

NM_002890.3(RASA1):c.2906T>G (p.Met969Arg)

Genes: CCNH (cyclin H; minus strand), RASA1 (RAS p21 protein activator 1; plus strand). Cytogenetic location: 5q14.3.
Variant type: single nucleotide variant.
Coding change: c.2906T>G on transcript NM_002890.3 (MANE Select); coding-DNA position 2906, T replaced by G.
Protein change: p.Met969Arg; replaces methionine 969 with arginine.
Molecular consequence: missense variant. On other transcripts: intron variant (1).
Genome position (GRCh38, 1-based): chr5:87,386,884, T>G. VCF-style: chr5-87386884-T-G. GRCh37 (hg19) VCF-style: chr5-86682701-T-G.
Other names: c.2375T>G, p.Met792Arg (NM_022650.3); c.933+8160A>C (NM_001364075.2); short protein forms M792R, M969R.
Identifiers: ClinVar variation 2881796 (VCV002881796.3), dbSNP rs2531385820, ClinGen allele CA360387094.
Genomic context (GRCh38, chr5:87,386,884, plus strand): 5'-AGGAGCCCTACATGGAAGGTGTCAATCCATTCATCAAAAGCAACAAACATCGTATGATCA[T>G]GTTTTTAGATGAACTTGGGGTATGTATATAGTTTTCAGGTACTTTTTTTAAGACTTCTAG-3'
Protein context (NP_002881.1, residues 959-979): FIKSNKHRMI[Met969Arg]FLDELGNVPE

ClinVar aggregate classification (germline): Uncertain significance (1 of 4 stars; one submission).

Conditions:
Capillary malformation-arteriovenous malformation syndrome. Also called: Capillary malformation-arteriovenous malformation. Identifiers: Orphanet 137667, MedGen C1842180, MONDO:0012016.

Submission:

Labcorp Genetics (formerly Invitae), Labcorp
Classification: Uncertain significance for Capillary malformation-arteriovenous malformation syndrome. Last evaluated: 2025-04-17. Review status: criteria provided, single submitter. Criteria: Invitae Variant Classification Sherloc (09022015). Collection method: clinical testing. Allele origin: germline.
Comment: This sequence change replaces methionine, which is neutral and non-polar, with arginine, which is basic and polar, at codon 969 of the RASA1 protein (p.Met969Arg). This variant is not present in population databases (gnomAD no frequency). This variant has not been reported in the literature in individuals affected with RASA1-related conditions. ClinVar contains an entry for this variant (Variation ID: 2881796). An algorithm developed to predict the effect of missense changes on protein structure and function (PolyPhen-2) suggests that this variant is likely to be tolerated. In summary, the available evidence is currently insufficient to determine the role of this variant in disease. Therefore, it has been classified as a Variant of Uncertain Significance.